The following is an entry in ClinVar:

ClinVar aggregate classification (germline): Uncertain significance (1 of 4 stars; one submission).

Allele frequency attached by ClinVar (database versions not stated): gnomAD exomes below 0.00001.
gnomAD v4.1: 2 of 1,613,968 alleles (0.00012%); highest among the groups gnomAD compares: Non-Finnish European, 0.00017%; no homozygotes.

Submission:

Labcorp Genetics (formerly Invitae), Labcorp
Classification: Uncertain significance. Last evaluated: 2023-09-10. Review status: criteria provided, single submitter. Criteria: Invitae Variant Classification Sherloc (09022015). Collection method: clinical testing. Allele origin: germline.
Comment: In summary, the available evidence is currently insufficient to determine the role of this variant in disease. Therefore, it has been classified as a Variant of Uncertain Significance. An algorithm developed to predict the effect of missense changes on protein structure and function (PolyPhen-2) suggests that this variant is likely to be tolerated. This variant has not been reported in the literature in individuals affected with NEDD4L-related conditions. This variant is not present in population databases (gnomAD no frequency). This sequence change replaces histidine, which is basic and polar, with tyrosine, which is neutral and polar, at codon 472 of the NEDD4L protein (p.His472Tyr).

NM_001144967.3(NEDD4L):c.1474C>T (p.His492Tyr)

Gene: NEDD4L (NEDD4 like E3 ubiquitin protein ligase; plus strand). Cytogenetic location: 18q21.31.
Variant type: single nucleotide variant.
Coding change: c.1474C>T on transcript NM_001144967.3 (MANE Select); coding-DNA position 1474, C replaced by T.
Protein change: p.His492Tyr; replaces histidine 492 with tyrosine.
Molecular consequence: missense variant.
Genome position (GRCh38, 1-based): chr18:58,343,002, C>T. VCF-style: chr18-58343002-C-T. GRCh37 (hg19) VCF-style: chr18-56010234-C-T.
Other names: c.1111C>T, p.His371Tyr (NM_001144964.1, NM_001144965.2, NM_001144966.3); c.1450C>T, p.His484Tyr (NM_001144968.2); c.1390C>T, p.His464Tyr (NM_001144969.2); c.1051C>T, p.His351Tyr (NM_001144970.3, NM_001144971.2); c.1282C>T, p.His428Tyr (NM_001243960.2); c.1414C>T, p.His472Tyr (NM_015277.6); short protein forms H472Y, H484Y, H428Y, H492Y, H351Y, H371Y, H464Y.
Identifiers: ClinVar variation 2970793 (VCV002970793.3), dbSNP rs2516871519, ClinGen allele CA402537364.